The following is an entry in ClinVar:

NM_001040108.2(MLH3):c.2164C>T (p.His722Tyr)

Gene: MLH3 (mutL homolog 3; minus strand). Cytogenetic location: 14q24.3.
Variant type: single nucleotide variant.
Coding change: c.2164C>T on transcript NM_001040108.2 (MANE Select); coding-DNA position 2164, C replaced by T.
Protein change: p.His722Tyr; replaces histidine 722 with tyrosine.
Molecular consequence: missense variant.
Genome position (GRCh38, 1-based): chr14:75,047,492, G>A on the plus strand (C>T on the coding strand, the complement: MLH3 is on the minus strand). VCF-style: chr14-75047492-G-A. GRCh37 (hg19) VCF-style: chr14-75514195-G-A.
Other names: c.2164C>T, p.His722Tyr (NM_014381.3); short protein forms H722Y.
Identifiers: ClinVar variation 1786960 (VCV001786960.8), dbSNP rs2503276904, ClinGen allele CA390441374.

ClinVar aggregate classification (germline): Uncertain significance. Review status: criteria provided, multiple submitters, no conflicts (2 of 4 stars). 2 submissions from 2 submitters: Uncertain significance (2). Last evaluated 2025-05-24.

Conditions:
Colorectal cancer, hereditary nonpolyposis, type 7. Identifiers: Orphanet 144, MedGen C1858380, MONDO:0013725, OMIM 614385.

Allele frequency attached by ClinVar (database versions not stated): gnomAD exomes below 0.00001.

Submissions (2):

Ambry Genetics
Classification: Uncertain significance. Last evaluated: 2025-05-24. Review status: criteria provided, single submitter. Criteria: Ambry Variant Classification Scheme 2023. Collection method: clinical testing. Allele origin: germline.
Comment: The p.H722Y variant (also known as c.2164C>T), located in coding exon 1 of the MLH3 gene, results from a C to T substitution at nucleotide position 2164. The histidine at codon 722 is replaced by tyrosine, an amino acid with similar properties. This amino acid position is conserved. In addition, this alteration is predicted to be tolerated by in silico analysis. Since supporting evidence is limited at this time, the clinical significance of this alteration remains unclear.

Labcorp Genetics (formerly Invitae), Labcorp
Classification: Uncertain significance for Colorectal cancer, hereditary nonpolyposis, type 7. Last evaluated: 2022-09-10. Review status: criteria provided, single submitter. Criteria: Invitae Variant Classification Sherloc (09022015). Collection method: clinical testing. Allele origin: germline.
Comment: This variant has not been reported in the literature in individuals affected with MLH3-related conditions. In summary, the available evidence is currently insufficient to determine the role of this variant in disease. Therefore, it has been classified as a Variant of Uncertain Significance. Algorithms developed to predict the effect of missense changes on protein structure and function output the following: SIFT: "Tolerated"; PolyPhen-2: "Benign"; Align-GVGD: "Class C0". The tyrosine amino acid residue is found in multiple mammalian species, which suggests that this missense change does not adversely affect protein function. This variant is not present in population databases (gnomAD no frequency). This sequence change replaces histidine, which is basic and polar, with tyrosine, which is neutral and polar, at codon 722 of the MLH3 protein (p.His722Tyr).